The following is an entry in ClinVar:

NM_032153.6(ZIC4):c.295G>C (p.Gly99Arg)

Gene: ZIC4 (Zic family zinc finger 4; minus strand). Cytogenetic location: 3q24.
Variant type: single nucleotide variant.
Coding change: c.295G>C on transcript NM_032153.6 (MANE Select); coding-DNA position 295, G replaced by C.
Protein change: p.Gly99Arg; replaces glycine 99 with arginine.
Molecular consequence: missense variant. On other transcripts: intron variant (1).
Genome position (GRCh38, 1-based): chr3:147,396,245, C>G on the plus strand (G>C on the coding strand, the complement: ZIC4 is on the minus strand). VCF-style: chr3-147396245-C-G. GRCh37 (hg19) VCF-style: chr3-147114032-C-G.
Other names: c.445G>C, p.Gly149Arg (NM_001168378.1); c.409G>C, p.Gly137Arg (NM_001168379.2); c.71-4999G>C (NM_001243256.2); short protein forms G99R, G149R, G137R.
Identifiers: ClinVar variation 2047054 (VCV002047054.28), dbSNP rs34676558, ClinGen allele CA2656837.

ClinVar aggregate classification (germline): Benign/Likely benign. Review status: criteria provided, multiple submitters, no conflicts (2 of 4 stars). 2 submissions from 2 submitters: Benign (1); Likely benign (1). Last evaluated 2026-01-26.

Allele frequency attached by ClinVar (database versions not stated): ExAC 0.00714; 1000 Genomes Project 30x 0.00500; 1000 Genomes Project 0.00519; ESP Exome Variant Server 0.00586.
gnomAD v4.1: 12,861 of 1,613,552 alleles (0.8%); highest among the groups gnomAD compares: Middle Eastern, 1.1%; 82 homozygotes.

Submissions (2):

Labcorp Genetics (formerly Invitae), Labcorp
Classification: Benign. Last evaluated: 2026-01-26. Review status: criteria provided, single submitter. Criteria: Invitae Variant Classification Sherloc (09022015). Collection method: clinical testing. Allele origin: germline.

CeGaT Center for Human Genetics Tuebingen
Classification: Likely benign. Last evaluated: 2023-01-01. Review status: criteria provided, single submitter. Criteria: CeGaT Center For Human Genetics Tuebingen Variant Classification Criteria Version 2. Collection method: clinical testing. Allele origin: germline. Affected: yes. Observed: 1 variant allele.
Comment: ZIC4: BS2